The following is an entry in ClinVar:

NM_001378454.1(ALMS1):c.3G>A (p.Met1Ile)

Gene: ALMS1 (ALMS1 centrosome and basal body associated protein; plus strand). Cytogenetic location: 2p13.1.
Variant type: single nucleotide variant.
Coding change: c.3G>A on transcript NM_001378454.1 (MANE Select); coding-DNA position 3, G replaced by A.
Protein change: p.Met1Ile; changes the start codon (methionine 1).
Molecular consequence: missense variant, initiator codon variant.
Genome position (GRCh38, 1-based): chr2:73,385,871, G>A. VCF-style: chr2-73385871-G-A. GRCh37 (hg19) VCF-style: chr2-73612999-G-A.
Other names: c.3G>A, p.Met1Ile (NM_015120.4); short protein forms M1I.
Identifiers: ClinVar variation 1064980 (VCV001064980.4), dbSNP rs2104056063, ClinGen allele CA347250325.

ClinVar aggregate classification (germline): Likely pathogenic (1 of 4 stars; one submission).

Conditions:
Hearing impairment. Also called: Impaired Hearing. Identifiers: MedGen C1384666, MONDO:0005365, HP:0000365.

Submission:

Department of Otolaryngology – Head & Neck Surgery, Cochlear Implant Center
Classification: Likely pathogenic for Hearing impairment. Last evaluated: 2021-04-12. Review status: criteria provided, single submitter. Criteria: ClinGen HL ACMG Specifications v1. Collection method: clinical testing. Allele origin: germline. Affected: yes.
Comment: PVS1_Strong, PM2_Moderate